The following is an entry in ClinVar:

ClinVar aggregate classification (germline): Likely pathogenic. Review status: criteria provided, multiple submitters, no conflicts (2 of 4 stars). 2 submissions from 2 submitters: Likely pathogenic (2). Last evaluated 2025-09-10.

Conditions:
Cerebrooculofacioskeletal syndrome 2 (COFS2). Identifiers: MedGen C1853102, MONDO:0012553, OMIM 610756.

Submissions (2):

Dasa
Classification: Likely pathogenic. Last evaluated: 2025-09-10. Review status: criteria provided, single submitter. Criteria: DASA Assertion Criteria. Collection method: clinical testing. Allele origin: germline.
Comment: NM_000400.4(ERCC2):c.1793_1796dup (p.Ala600Serfs*50) is a frameshift variant in ERCC2 predicted to alter the reading frame and introduce a premature termination codon and is predicted to result in an absent or altered protein product. Loss of function is an established disease mechanism for ERCC2-associated disorders. Also, this variant is absent from population databases. Based on the currently available evidence, this variant is classified as likely pathogenic.

Baylor Genetics
Classification: Likely pathogenic for Cerebrooculofacioskeletal syndrome 2. Last evaluated: 2023-10-12. Review status: criteria provided, single submitter. Criteria: ACMG Guidelines, 2015. Collection method: clinical testing. Allele origin: unknown.

NM_000400.4(ERCC2):c.1793_1796dup (p.Ala600fs)

Gene: ERCC2 (ERCC excision repair 2, TFIIH core complex helicase subunit; minus strand). Cytogenetic location: 19q13.32.
Variant type: Duplication.
Coding change: c.1793_1796dup on transcript NM_000400.4 (MANE Select); coding-DNA positions 1793 to 1796, 4 bases duplicated (CAGT; older notation c.1793_1796dupCAGT).
Protein change: p.Ala600fs; shifts the reading frame from alanine 600.
Molecular consequence: frameshift variant.
Genome position (GRCh38, 1-based): chr19:45,353,118-45,353,121, ACTG duplicated on the plus strand (CAGT on the coding strand, the reverse complement: ERCC2 is on the minus strand); duplicating any 4 consecutive bases within chr19:45,353,118-45,353,123 gives the same sequence; the c. name uses the placement nearest the transcript's 3' end. VCF-style (leftmost placement, unchanged base first): chr19-45353117-C-CACTG. GRCh37 (hg19) VCF-style: chr19-45856375-C-CACTG.
Other names: short protein forms A600fs.
Identifiers: ClinVar variation 2675030 (VCV002675030.3), dbSNP rs2514002045, ClinGen allele CA2695198231.